The following is an entry in ClinVar:

NM_003000.3(SDHB):c.310A>T (p.Asn104Tyr)

Gene: SDHB (succinate dehydrogenase complex iron sulfur subunit B; minus strand). Cytogenetic location: 1p36.13.
Variant type: single nucleotide variant.
Coding change: c.310A>T on transcript NM_003000.3 (MANE Select); coding-DNA position 310, A replaced by T.
Protein change: p.Asn104Tyr; replaces asparagine 104 with tyrosine.
Molecular consequence: missense variant.
Genome position (GRCh38, 1-based): chr1:17,028,713, T>A on the plus strand (A>T on the coding strand, the complement: SDHB is on the minus strand). VCF-style: chr1-17028713-T-A. GRCh37 (hg19) VCF-style: chr1-17355208-T-A.
Other names: c.310A>T, p.Asn104Tyr (NM_001407361.1); short protein forms N104Y.
Identifiers: ClinVar variation 3758211 (VCV003758211.2).

ClinVar aggregate classification (germline): Uncertain significance (1 of 4 stars; one submission).

Conditions:
Pheochromocytoma. Also called: MAX-Related Hereditary Paraganglioma-Pheochromocytoma Syndrome. Identifiers: Orphanet 29072, MedGen C0031511, MONDO:0008233, OMIM 171300, HP:0002666.
Pheochromocytoma/paraganglioma syndrome 4. Also called: CAROTID BODY TUMORS AND MULTIPLE EXTRAADRENAL PHEOCHROMOCYTOMAS; PARAGANGLIOMA, FAMILIAL MALIGNANT; PARAGANGLIOMAS, HEREDITARY EXTRAADRENAL; PHEOCHROMOCYTOMA, FAMILIAL EXTRAADRENAL; Paragangliomas 4; SDHB-Related Hereditary Paraganglioma-Pheochromocytoma Syndrome (Paragangliomas 4). Identifiers: Orphanet 29072, MedGen C1861848, MONDO:0007273, OMIM 115310.
Gastrointestinal stromal tumor. Also called: Gastrointestinal stromal tumor, somatic; Gastrointestinal stroma tumor. Identifiers: Orphanet 44890, MedGen C0238198, MeSH D046152, MONDO:0011719, OMIM 606764, HP:0100723.

Submission:

Labcorp Genetics (formerly Invitae), Labcorp
Classification: Uncertain significance for Gastrointestinal stromal tumor; Pheochromocytoma/paraganglioma syndrome 4; Pheochromocytoma. Last evaluated: 2024-12-20. Review status: criteria provided, single submitter. Criteria: Invitae Variant Classification Sherloc (09022015). Collection method: clinical testing. Allele origin: germline.
Comment: This sequence change replaces asparagine, which is neutral and polar, with tyrosine, which is neutral and polar, at codon 104 of the SDHB protein (p.Asn104Tyr). This variant is not present in population databases (gnomAD no frequency). This variant has not been reported in the literature in individuals affected with SDHB-related conditions. Invitae Evidence Modeling of protein sequence and biophysical properties (such as structural, functional, and spatial information, amino acid conservation, physicochemical variation, residue mobility, and thermodynamic stability) indicates that this missense variant is expected to disrupt SDHB protein function with a positive predictive value of 80%. In summary, the available evidence is currently insufficient to determine the role of this variant in disease. Therefore, it has been classified as a Variant of Uncertain Significance.